The following is an entry in ClinVar:

NM_001377229.1(DISP1):c.3906T>G (p.Thr1302=)

Gene: DISP1 (dispatched RND transporter family member 1; plus strand). Cytogenetic location: 1q41.
Variant type: single nucleotide variant.
Coding change: c.3906T>G on transcript NM_001377229.1 (MANE Select); coding-DNA position 3906, T replaced by G.
Protein change: p.Thr1302=; no amino-acid change (threonine 1302 retained).
Molecular consequence: synonymous variant.
Genome position (GRCh38, 1-based): chr1:223,005,303, T>G. VCF-style: chr1-223005303-T-G. GRCh37 (hg19) VCF-style: chr1-223178645-T-G.
Other names: c.3177T>G, p.Thr1059= (NM_001350630.2); c.3906T>G, p.Thr1302= (NM_001369594.1, NM_001377228.1, NM_032890.5).
Identifiers: ClinVar variation 3058204 (VCV003058204.4), dbSNP rs1679819038, ClinGen allele CA423723362.
Genomic context (GRCh38, chr1:223,005,303, plus strand): 5'-TGGCCCACACTCTTGCCAGCAGATGGGGGACTGCTTGTGCCACCAGTGCTCTCCTACCAC[T>G]AGCAGCTTTGTCCAGATCCAAAACGGCGTGGCACCTCTGAAGGCCACACACCAAGCTGTC-3'
Protein context (NP_001364158.1, residues 1292-1312): DCLCHQCSPT[Thr1302=]SSFVQIQNGV

ClinVar aggregate classification (germline): Likely benign. Review status: criteria provided, single submitter (1 of 4 stars). 2 submissions from 2 submitters: Likely benign (1). 1 of the submissions does not count toward it. Last evaluated 2024-09-19.

Conditions:
DISP1-related disorder. Also called: DISP1-related condition.

Allele frequency attached by ClinVar (database versions not stated): gnomAD 0.00001; gnomAD exomes 0.00001.
gnomAD v4.1: 13 of 1,613,568 alleles (0.00081%); highest among the groups gnomAD compares: Middle Eastern, 0.033%; no homozygotes.

Submissions (2):

Labcorp Genetics (formerly Invitae), Labcorp
Classification: Likely benign. Last evaluated: 2024-09-19. Review status: criteria provided, single submitter. Criteria: Invitae Variant Classification Sherloc (09022015). Collection method: clinical testing. Allele origin: germline.

PreventionGenetics, part of Exact Sciences
Classification: Likely benign for DISP1-related condition. Last evaluated: 2023-03-26. Review status: no assertion criteria provided. Collection method: clinical testing. Allele origin: germline. Not counted in ClinVar's aggregate classification.
Comment: This variant is classified as likely benign based on ACMG/AMP sequence variant interpretation guidelines (Richards et al. 2015 PMID: 25741868, with internal and published modifications).